The following is an entry in ClinVar:

ClinVar aggregate classification (germline): Likely pathogenic (1 of 4 stars; one submission).

Conditions:
Carnitine palmitoyltransferase II deficiency. Also called: Carnitine Palmitoyltransferase 2 Deficiency. Identifiers: Orphanet 157, MedGen C0342790, MONDO:0015515.

Submission:

Myriad Genetics, Inc.
Classification: Likely pathogenic for Carnitine palmitoyltransferase II deficiency. Last evaluated: 2022-01-31. Review status: criteria provided, single submitter. Criteria: Myriad Autosomal Dominant, Autosomal Recessive and X-Linked Classification Criteria (2023). Collection method: clinical testing. Allele origin: unknown.
Comment: NM_000098.2(CPT2):c.150delC(R51Gfs*22) is expected to be pathogenic in the context of carnitine palmitoyltransferase II deficiency. This variant is predicted to lead to an abnormal or absent protein product due to the creation of a premature termination codon in CPT2, a gene where loss-of-function variants are known to be pathogenic. Please note: this variant was assessed in the context of healthy population screening.

NM_000098.3(CPT2):c.150del (p.Arg51fs)

Genes: CPT2 (carnitine palmitoyltransferase 2; plus strand), LOC129930561 (ATAC-STARR-seq lymphoblastoid silent region 902; plus strand). Cytogenetic location: 1p32.3.
Variant type: Deletion.
Coding change: c.150del on transcript NM_000098.3 (MANE Select); coding-DNA position 150, one base deleted (C; older notation c.150delC).
Protein change: p.Arg51fs; shifts the reading frame from arginine 51.
Molecular consequence: frameshift variant.
Genome position (GRCh38, 1-based): chr1:53,197,093, C deleted; the last of 3 consecutive C bases (chr1:53,197,091-53,197,093); deleting any one gives the same sequence. VCF-style (leftmost placement, unchanged base first): chr1-53197090-GC-G. GRCh37 (hg19) VCF-style: chr1-53662762-GC-G.
Other names: c.150del, p.Arg51fs (NM_001330589.2); short protein forms R51fs.
Identifiers: ClinVar variation 1724184 (VCV001724184.3), dbSNP rs2525558530, ClinGen allele CA2580063047.